The following is an entry in ClinVar:

ClinVar aggregate classification (germline): Uncertain significance (1 of 4 stars; one submission).

Conditions:
Brugada syndrome 5 (BRGDA5). Identifiers: Orphanet 130, Orphanet 871, MedGen C2748541, MONDO:0013015, OMIM 612838.

gnomAD v4.1: 2 of 1,614,066 alleles (0.00012%); highest among the groups gnomAD compares: Non-Finnish European, 0.00017%; no homozygotes.

Submission:

Labcorp Genetics (formerly Invitae), Labcorp
Classification: Uncertain significance for Brugada syndrome 5. Last evaluated: 2024-02-06. Review status: criteria provided, single submitter. Criteria: Invitae Variant Classification Sherloc (09022015). Collection method: clinical testing. Allele origin: germline.
Comment: This sequence change replaces threonine, which is neutral and polar, with serine, which is neutral and polar, at codon 28 of the SCN1B protein (p.Thr28Ser). This variant is not present in population databases (gnomAD no frequency). This variant has not been reported in the literature in individuals affected with SCN1B-related conditions. An algorithm developed to predict the effect of missense changes on protein structure and function (PolyPhen-2) suggests that this variant is likely to be disruptive. In summary, the available evidence is currently insufficient to determine the role of this variant in disease. Therefore, it has been classified as a Variant of Uncertain Significance.

NM_001037.5(SCN1B):c.82A>T (p.Thr28Ser)

Gene: SCN1B (sodium voltage-gated channel beta subunit 1; plus strand). Cytogenetic location: 19q13.11.
Variant type: single nucleotide variant.
Coding change: c.82A>T on transcript NM_001037.5 (MANE Select); coding-DNA position 82, A replaced by T.
Protein change: p.Thr28Ser; replaces threonine 28 with serine.
Molecular consequence: missense variant. On other transcripts: 5 prime UTR variant (1).
Genome position (GRCh38, 1-based): chr19:35,032,569, A>T. VCF-style: chr19-35032569-A-T. GRCh37 (hg19) VCF-style: chr19-35523473-A-T.
Other names: c.-18A>T (NM_001321605.2); c.82A>T, p.Thr28Ser (NM_199037.5); short protein forms T28S.
Identifiers: ClinVar variation 3671548 (VCV003671548.2).
Genomic context (GRCh38, chr19:35,032,569, plus strand): 5'-GAGCCTGCTGTCCCCACAGTGTCCTCAGCCTGCGGGGGCTGCGTGGAGGTGGACTCGGAG[A>T]CCGAGGCCGTGTATGGGATGACCTTCAAAATTCTTTGCATCTCCTGCAAGCGCCGCAGCG-3'
Protein context (NP_001028.1, residues 18-38): CGGCVEVDSE[Thr28Ser]EAVYGMTFKI